The following is an entry in ClinVar:

NM_014236.4(GNPAT):c.555A>T (p.Ile185=)

Gene: GNPAT (glyceronephosphate O-acyltransferase; plus strand). Cytogenetic location: 1q42.2.
Variant type: single nucleotide variant.
Coding change: c.555A>T on transcript NM_014236.4 (MANE Select); coding-DNA position 555, A replaced by T.
Protein change: p.Ile185=; no amino-acid change (isoleucine 185 retained).
Molecular consequence: synonymous variant.
Genome position (GRCh38, 1-based): chr1:231,262,839, A>T. VCF-style: chr1-231262839-A-T. GRCh37 (hg19) VCF-style: chr1-231398585-A-T.
Other names: c.372A>T, p.Ile124= (NM_001316350.2).
Identifiers: ClinVar variation 211090 (VCV000211090.51), dbSNP rs34613633, ClinGen allele CA209454.
Genomic context (GRCh38, chr1:231,262,839, plus strand): 5'-CATTGACTTCCTCATGTTGTCTTTTCTTCTATACAATTATGATTTGCCTGTGCCAGTTAT[A>T]GCAGCAGGAATGGGTATGTATTGTTTTTCTGTTTTTTTAACTGTAAAAATTAAAAAGTTC-3'
Protein context (NP_055051.1, residues 175-195): LYNYDLPVPV[Ile185=]AAGMDFLGMK

ClinVar aggregate classification (germline): Conflicting classifications of pathogenicity. Review status: criteria provided, conflicting classifications (1 of 4 stars). 6 submissions from 6 submitters: Uncertain significance (1); Benign (3); Likely benign (2). Last evaluated 2026-09-01.

Conditions:
Rhizomelic chondrodysplasia punctata type 2 (RCDP2). Also called: Chondrodysplasia punctata, rhizomelic, due to dihydroxyacetonephosphate acyltransferase deficiency; DHAPAT DEFICIENCY; PEROXISOMAL DIHYDROXYACETONEPHOSPHATE ACYLTRANSFERASE DEFICIENCY; glyceronephosphate O-acyltransferase (GNPAT) deficiency; Glyceronephosphate O-acyltransferase deficiency; DIHYDROXYACETONEPHOSPHATE ACYLTRANSFERASE DEFICIENCY. Identifiers: Orphanet 177, Orphanet 309796, MedGen C1857242, MONDO:0100273, OMIM 222765. Disease mechanism: loss of function.

Allele frequency attached by ClinVar (database versions not stated): ExAC 0.00420; 1000 Genomes Project 30x 0.00047; 1000 Genomes Project 0.00060; TOPMed 0.00247; ESP Exome Variant Server 0.00300; gnomAD 0.00321 and 0.00339; gnomAD exomes 0.00370 and 0.00412.

Submissions (12):

CeGaT Center for Human Genetics Tuebingen
Classification: Likely benign. Last evaluated: 2026-09-01. Review status: criteria provided, single submitter. Criteria: CeGaT Center For Human Genetics Tuebingen Variant Classification Criteria Version 2. Collection method: clinical testing. Allele origin: germline. Affected: yes. Observed: 17 variant alleles.
Comment: GNPAT: BP4, BP7, BS2

Labcorp Genetics (formerly Invitae), Labcorp
Classification: Benign. Last evaluated: 2026-02-04. Review status: criteria provided, single submitter. Criteria: Invitae Variant Classification Sherloc (09022015). Collection method: clinical testing. Allele origin: germline.

ARUP Laboratories, Molecular Genetics and Genomics, ARUP Laboratories
Classification: Benign for Rhizomelic chondrodysplasia punctata type 2. Last evaluated: 2023-11-03. Review status: criteria provided, single submitter. Criteria: ARUP Molecular Germline Variant Investigation Process 2024. Collection method: clinical testing. Allele origin: germline.

GeneDx
Classification: Benign. Last evaluated: 2018-09-10. Review status: criteria provided, single submitter. Criteria: GeneDx Variant Classification Process June 2021. Collection method: clinical testing. Allele origin: germline. Affected: yes.

Illumina Laboratory Services, Illumina
Classification: Likely benign for Rhizomelic chondrodysplasia punctata type 2. Last evaluated: 2018-01-12. Review status: criteria provided, single submitter. Criteria: ICSL Variant Classification Criteria 13 December 2019. Collection method: clinical testing. Allele origin: germline.
Comment: This variant was observed in the ICSL laboratory as part of a predisposition screen in an ostensibly healthy population. It had not been previously curated by ICSL or reported in the Human Gene Mutation Database (HGMD: prior to June 1st, 2018), and was therefore a candidate for classification through an automated scoring system. Utilizing variant allele frequency, disease prevalence and penetrance estimates, and inheritance mode, an automated score was calculated to assess if this variant is too frequent to cause the disease. Based on the score and internal cut-off values, a variant classified as likely benign is not then subjected to further curation. The score for this variant resulted in a classification of likely benign for this disease.

Genetic Services Laboratory, University of Chicago
Classification: Uncertain significance. Last evaluated: 2014-10-21. Review status: criteria provided, single submitter. Criteria: ACMG Guidelines, 2015. Collection method: clinical testing. Allele origin: germline.

Dr. Peter K. Rogan Lab, Western University
No classification provided (evidence only). Condition: Familial cancer of breast. Review status: no classification provided. Collection method: in vitro. Allele origin: not applicable. Functional consequence: skipped exon. Not counted in ClinVar's aggregate classification.

Dr. Peter K. Rogan Lab, Western University
No classification provided (evidence only). Condition: Colon adenocarcinoma. Review status: no classification provided. Collection method: in vitro. Allele origin: not applicable. Functional consequence: retained intron. Not counted in ClinVar's aggregate classification.

Dr. Peter K. Rogan Lab, Western University
No classification provided (evidence only). Condition: Colorectal cancer. Review status: no classification provided. Collection method: in vitro. Allele origin: not applicable. Functional consequence: retained intron. Not counted in ClinVar's aggregate classification.

Dr. Peter K. Rogan Lab, Western University
No classification provided (evidence only). Condition: Thyroid cancer, nonmedullary, 1. Review status: no classification provided. Collection method: in vitro. Allele origin: not applicable. Functional consequence: skipped exon. Not counted in ClinVar's aggregate classification.

Dr. Peter K. Rogan Lab, Western University
No classification provided (evidence only). Condition: Cervical cancer. Review status: no classification provided. Collection method: in vitro. Allele origin: not applicable. Functional consequence: retained intron. Not counted in ClinVar's aggregate classification.

Dr. Peter K. Rogan Lab, Western University
No classification provided (evidence only). Condition: Malignant tumor of esophagus. Review status: no classification provided. Collection method: in vitro. Allele origin: not applicable. Functional consequence: retained intron. Not counted in ClinVar's aggregate classification.